The following is an entry in ClinVar:

NM_014727.3(KMT2B):c.1155T>A (p.Ala385=)

Gene: KMT2B (lysine methyltransferase 2B; plus strand). Cytogenetic location: 19q13.12.
Variant type: single nucleotide variant.
Coding change: c.1155T>A on transcript NM_014727.3 (MANE Select); coding-DNA position 1155, T replaced by A.
Protein change: p.Ala385=; no amino-acid change (alanine 385 retained).
Molecular consequence: synonymous variant.
Genome position (GRCh38, 1-based): chr19:35,720,502, T>A. VCF-style: chr19-35720502-T-A. GRCh37 (hg19) VCF-style: chr19-36211404-T-A.
Identifiers: ClinVar variation 2649731 (VCV002649731.24), dbSNP rs1028789728, ClinGen allele CA307782631.
Genomic context (GRCh38, chr19:35,720,502, plus strand): 5'-AGAAGAGAAGAAAGAAGAAGAAGAAAAAGACAAGGAGGGAGAAGAGAAGGAAGAAAGAGC[T>A]GTAGCTGAGGAGATGATGCCAGCTGCGGAAAAGGAAGAGGCAAAGCTGCCACCACCGCCT-3'
Protein context (NP_055542.1, residues 375-395): DKEGEEKEER[Ala385=]VAEEMMPAAE

ClinVar aggregate classification (germline): Likely benign (1 of 4 stars; one submission).

Allele frequency attached by ClinVar (database versions not stated): gnomAD exomes below 0.00001.
gnomAD v4.1: 8 of 1,550,982 alleles (0.00052%); highest among the groups gnomAD compares: African/African-American, 0.0096%; no homozygotes.

Submission:

CeGaT Center for Human Genetics Tuebingen
Classification: Likely benign. Last evaluated: 2022-09-01. Review status: criteria provided, single submitter. Criteria: CeGaT Center For Human Genetics Tuebingen Variant Classification Criteria Version 2. Collection method: clinical testing. Allele origin: germline. Affected: yes. Observed: 1 variant allele.
Comment: KMT2B: BP4, BP7